The following is an entry in ClinVar:

ClinVar aggregate classification (germline): Uncertain significance (1 of 4 stars; one submission).

Allele frequency attached by ClinVar (database versions not stated): TOPMed below 0.00001; ExAC 0.00002; gnomAD exomes 0.00001.
gnomAD v4.1: 14 of 1,613,964 alleles (0.00087%); highest among the groups gnomAD compares: Middle Eastern, 0.016%; no homozygotes.

Submission:

Labcorp Genetics (formerly Invitae), Labcorp
Classification: Uncertain significance. Last evaluated: 2025-06-02. Review status: criteria provided, single submitter. Criteria: Invitae Variant Classification Sherloc (09022015). Collection method: clinical testing. Allele origin: germline.
Comment: This sequence change replaces isoleucine, which is neutral and non-polar, with threonine, which is neutral and polar, at codon 1077 of the AP3B2 protein (p.Ile1077Thr). This variant is present in population databases (rs756340733, gnomAD 0.003%). This variant has not been reported in the literature in individuals affected with AP3B2-related conditions. ClinVar contains an entry for this variant (Variation ID: 1416568). An algorithm developed to predict the effect of missense changes on protein structure and function (PolyPhen-2) suggests that this variant is likely to be tolerated. In summary, the available evidence is currently insufficient to determine the role of this variant in disease. Therefore, it has been classified as a Variant of Uncertain Significance.

NM_001278512.2(AP3B2):c.3287T>C (p.Ile1096Thr)

Genes: AP3B2 (adaptor related protein complex 3 subunit beta 2; minus strand), CPEB1-AS1 (CPEB1 antisense RNA 1; plus strand). Cytogenetic location: 15q25.2.
Variant type: single nucleotide variant.
Coding change: c.3287T>C on transcript NM_001278512.2 (MANE Select); coding-DNA position 3287, T replaced by C.
Protein change: p.Ile1096Thr; replaces isoleucine 1096 with threonine.
Molecular consequence: missense variant.
Genome position (GRCh38, 1-based): chr15:82,659,579, A>G on the plus strand (T>C on the coding strand, the complement: AP3B2 is on the minus strand). VCF-style: chr15-82659579-A-G. GRCh37 (hg19) VCF-style: chr15-83328331-A-G.
Other names: c.3134T>C, p.Ile1045Thr (NM_001278511.2); c.419T>C, p.Ile140Thr (NM_001348441.2); c.3230T>C, p.Ile1077Thr (NM_004644.5); short protein forms I1096T, I140T, I1077T, I1045T.
Identifiers: ClinVar variation 1416568 (VCV001416568.6), dbSNP rs756340733, ClinGen allele CA7699646.